The following is an entry in ClinVar:

NM_001130009.3(GEN1):c.659A>C (p.Glu220Ala)

Gene: GEN1 (GEN1 structure-specific endonuclease; plus strand). Cytogenetic location: 2p24.2.
Variant type: single nucleotide variant.
Coding change: c.659A>C on transcript NM_001130009.3 (MANE Select); coding-DNA position 659, A replaced by C.
Protein change: p.Glu220Ala; replaces glutamic acid 220 with alanine.
Molecular consequence: missense variant.
Genome position (GRCh38, 1-based): chr2:17,768,760, A>C. VCF-style: chr2-17768760-A-C. GRCh37 (hg19) VCF-style: chr2-17950027-A-C.
Other names: c.659A>C, p.Glu220Ala (NM_182625.5); short protein forms E220A.
Identifiers: ClinVar variation 5022355 (VCV005022355.1).

ClinVar aggregate classification (germline): Uncertain significance (1 of 4 stars; one submission).

Submission:

Ambry Genetics
Classification: Uncertain significance. Last evaluated: 2026-09-07. Review status: criteria provided, single submitter. Criteria: Ambry Variant Classification Scheme 2023. Collection method: clinical testing. Allele origin: germline.
Comment: The p.E220A variant (also known as c.659A>C), located in coding exon 5 of the GEN1 gene, results from an A to C substitution at nucleotide position 659. The glutamic acid at codon 220 is replaced by alanine, an amino acid with dissimilar properties. This amino acid position is conserved. In addition, the in silico prediction for this alteration is inconclusive. Based on the available evidence, the clinical significance of this variant remains unclear.